The following is an entry in ClinVar:

NM_001367624.2(ZNF469):c.3476G>A (p.Gly1159Asp)

Gene: ZNF469 (zinc finger protein 469; plus strand). Cytogenetic location: 16q24.2.
Variant type: single nucleotide variant.
Coding change: c.3476G>A on transcript NM_001367624.2 (MANE Select); coding-DNA position 3476, G replaced by A.
Protein change: p.Gly1159Asp; replaces glycine 1159 with aspartic acid.
Molecular consequence: missense variant.
Genome position (GRCh38, 1-based): chr16:88,430,946, G>A. VCF-style: chr16-88430946-G-A. GRCh37 (hg19) VCF-style: chr16-88497354-G-A.
Other names: NM_001127464.1:c.3392G>A; short protein forms G1159D.
Identifiers: ClinVar variation 1961602 (VCV001961602.7), dbSNP rs911213937, ClinGen allele CA286374902.
Genomic context (GRCh38, chr16:88,430,946, plus strand): 5'-GGAAGGCGGCGAGGCAGGAAGCCGGCGGGGACGGAGCCCCCGCGAACCCCGAGGAGCCGG[G>A]CGGGTCTCGCCCGGGCCCCGGCAGGAGCCCTCAGGCCCGTGGCCCGTCTCGAAGCCTGGA-3'
Protein context (NP_001354553.1, residues 1149-1169): DGAPANPEEP[Gly1159Asp]GSRPGPGRSP

ClinVar aggregate classification (germline): Uncertain significance. Review status: criteria provided, multiple submitters, no conflicts (2 of 4 stars). 2 submissions from 2 submitters: Uncertain significance (2). Last evaluated 2025-04-04.

Conditions:
Cardiovascular phenotype. Identifiers: MedGen CN230736.

Allele frequency attached by ClinVar (database versions not stated): gnomAD exomes below 0.00001; TOPMed 0.00001.
gnomAD v4.1: 3 of 1,535,762 alleles (0.0002%); highest among the groups gnomAD compares: African/African-American, 0.0027%; no homozygotes.

Submissions (2):

Ambry Genetics
Classification: Uncertain significance for Cardiovascular phenotype. Last evaluated: 2025-04-04. Review status: criteria provided, single submitter. Criteria: Ambry Variant Classification Scheme 2023. Collection method: clinical testing. Allele origin: germline.

Labcorp Genetics (formerly Invitae), Labcorp
Classification: Uncertain significance. Last evaluated: 2024-12-16. Review status: criteria provided, single submitter. Criteria: Invitae Variant Classification Sherloc (09022015). Collection method: clinical testing. Allele origin: germline.
Comment: This sequence change replaces glycine, which is neutral and non-polar, with aspartic acid, which is acidic and polar, at codon 1131 of the ZNF469 protein (p.Gly1131Asp). This variant is not present in population databases (gnomAD no frequency). This variant has not been reported in the literature in individuals affected with ZNF469-related conditions. ClinVar contains an entry for this variant (Variation ID: 1961602). An algorithm developed to predict the effect of missense changes on protein structure and function (PolyPhen-2) suggests that this variant is likely to be disruptive. In summary, the available evidence is currently insufficient to determine the role of this variant in disease. Therefore, it has been classified as a Variant of Uncertain Significance.